The following is an entry in ClinVar:

NM_005228.5(EGFR):c.440C>T (p.Ala147Val)

Gene: EGFR (epidermal growth factor receptor; plus strand). Cytogenetic location: 7p11.2.
Variant type: single nucleotide variant.
Coding change: c.440C>T on transcript NM_005228.5 (MANE Select); coding-DNA position 440, C replaced by T.
Protein change: p.Ala147Val; replaces alanine 147 with valine.
Molecular consequence: missense variant. On other transcripts: intron variant (3).
Genome position (GRCh38, 1-based): chr7:55,146,621, C>T. VCF-style: chr7-55146621-C-T. GRCh37 (hg19) VCF-style: chr7-55214314-C-T.
Other names: c.440C>T, p.Ala147Val (NM_001346898.2, NM_201282.2, NM_201283.2 and 1 more transcripts); c.281C>T, p.Ala94Val (NM_001346900.2); c.424+3133C>T (NM_001346899.2, NM_001346897.2); c.89-9209C>T (NM_001346941.2); short protein forms A94V, A147V.
Identifiers: ClinVar variation 1933643 (VCV001933643.5), dbSNP rs2128929424, ClinGen allele CA367576494.

ClinVar aggregate classification (germline): Uncertain significance (1 of 4 stars; one submission).

Conditions:
EGFR-related lung cancer (EGFR). Identifiers: MedGen CN130014.

gnomAD v4.1: 1 of 1,614,078 alleles (0.000062%); no homozygotes.

Submission:

Labcorp Genetics (formerly Invitae), Labcorp
Classification: Uncertain significance for EGFR-related lung cancer. Last evaluated: 2022-08-02. Review status: criteria provided, single submitter. Criteria: Invitae Variant Classification Sherloc (09022015). Collection method: clinical testing. Allele origin: germline.
Comment: This sequence change replaces alanine, which is neutral and non-polar, with valine, which is neutral and non-polar, at codon 147 of the EGFR protein (p.Ala147Val). This variant is not present in population databases (gnomAD no frequency). This variant has not been reported in the literature in individuals affected with EGFR-related conditions. Algorithms developed to predict the effect of missense changes on protein structure and function (SIFT, PolyPhen-2, Align-GVGD) all suggest that this variant is likely to be tolerated. In summary, the available evidence is currently insufficient to determine the role of this variant in disease. Therefore, it has been classified as a Variant of Uncertain Significance.